The following is an entry in ClinVar:

NM_018896.5(CACNA1G):c.6697G>T (p.Gly2233Cys)

Gene: CACNA1G (calcium voltage-gated channel subunit alpha1 G; plus strand). Cytogenetic location: 17q21.33.
Variant type: single nucleotide variant.
Coding change: c.6697G>T on transcript NM_018896.5 (MANE Select); coding-DNA position 6697, G replaced by T.
Protein change: p.Gly2233Cys; replaces glycine 2233 with cysteine.
Molecular consequence: missense variant. On other transcripts: non-coding transcript variant (5), intron variant (3).
Genome position (GRCh38, 1-based): chr17:50,626,314, G>T. VCF-style: chr17-50626314-G-T. GRCh37 (hg19) VCF-style: chr17-48703675-G-T.
Other names: c.6508G>T, p.Gly2170Cys (NM_001256324.2); c.6439G>T, p.Gly2147Cys (NM_001256325.2); c.6427G>T, p.Gly2143Cys (NM_001256326.2); c.6397G>T, p.Gly2133Cys (NM_001256327.2); c.6343G>T, p.Gly2115Cys (NM_001256328.2); c.6316G>T, p.Gly2106Cys (NM_001256329.2, NM_198387.3); c.6283G>T, p.Gly2095Cys (NM_001256330.2); c.6262G>T, p.Gly2088Cys (NM_001256331.2); and 18 more; short protein forms G2095C, G2099C, G2117C, G2129C, G2162C, G2083C, G2106C, G2113C.
Identifiers: ClinVar variation 1948476 (VCV001948476.5), dbSNP rs552357421, ClinGen allele CA400238073.
Genomic context (GRCh38, chr17:50,626,314, plus strand): 5'-AGCAGCTTAGAGTTGGACACGGAGCTGAGCTGGATTTCAGGAGACCTCCTGCCCCCTGGC[G>T]GCCAGGAGGAGCCCCCATCCCCACGGGACCTGAAGAAGTGCTACAGCGTGGAGGCCCAGA-3'
Protein context (NP_061496.2, residues 2223-2243): WISGDLLPPG[Gly2233Cys]QEEPPSPRDL

ClinVar aggregate classification (germline): Uncertain significance (1 of 4 stars; one submission).

Submission:

Labcorp Genetics (formerly Invitae), Labcorp
Classification: Uncertain significance. Last evaluated: 2025-12-19. Review status: criteria provided, single submitter. Criteria: Invitae Variant Classification Sherloc (09022015). Collection method: clinical testing. Allele origin: germline.
Comment: This sequence change replaces glycine, which is neutral and non-polar, with cysteine, which is neutral and slightly polar, at codon 2233 of the CACNA1G protein (p.Gly2233Cys). This variant is not present in population databases (gnomAD no frequency). This variant has not been reported in the literature in individuals affected with CACNA1G-related conditions. ClinVar contains an entry for this variant (Variation ID: 1948476). Invitae Evidence Modeling of protein sequence and biophysical properties (such as structural, functional, and spatial information, amino acid conservation, physicochemical variation, residue mobility, and thermodynamic stability) indicates that this missense variant is not expected to disrupt CACNA1G protein function with a negative predictive value of 95%. In summary, the available evidence is currently insufficient to determine the role of this variant in disease. Therefore, it has been classified as a Variant of Uncertain Significance.